The following is an entry in ClinVar:

NM_001009999.3(KDM1A):c.2591C>A (p.Ala864Asp)

Gene: KDM1A (lysine demethylase 1A; plus strand). Cytogenetic location: 1p36.12.
Variant type: single nucleotide variant.
Coding change: c.2591C>A on transcript NM_001009999.3 (MANE Select); coding-DNA position 2591, C replaced by A.
Protein change: p.Ala864Asp; replaces alanine 864 with aspartic acid.
Molecular consequence: missense variant. On other transcripts: 3 prime UTR variant (1).
Genome position (GRCh38, 1-based): chr1:23,083,324, C>A. VCF-style: chr1-23083324-C-A. GRCh37 (hg19) VCF-style: chr1-23409817-C-A.
Other names: c.2537C>A, p.Ala846Asp (NM_001363654.2); c.2597C>A, p.Ala866Asp (NM_001410762.1); c.*839C>A (NM_001410763.1); c.2519C>A, p.Ala840Asp (NM_015013.4); short protein forms A840D, A846D, A864D, A866D.
Identifiers: ClinVar variation 4858716 (VCV004858716.1).

ClinVar aggregate classification (germline): Uncertain significance (1 of 4 stars; one submission).

Conditions:
Inborn genetic diseases. Identifiers: MedGen C0950123, MeSH D030342.

gnomAD v4.1: 1 of 1,613,748 alleles (0.000062%); highest among the groups gnomAD compares: Middle Eastern, 0.016%; no homozygotes.

Submission:

Ambry Genetics
Classification: Uncertain significance for Inborn genetic diseases. Last evaluated: 2026-04-18. Review status: criteria provided, single submitter. Criteria: Ambry Variant Classification Scheme 2023. Collection method: clinical testing. Allele origin: germline.
Comment: The p.A864D variant (also known as c.2591C>A), located in coding exon 21 of the KDM1A gene, results from a C to A substitution at nucleotide position 2591. The alanine at codon 864 is replaced by aspartic acid, an amino acid with dissimilar properties. This amino acid position is conserved. In addition, this alteration is predicted to be tolerated by in silico analysis. Based on the available evidence, the clinical significance of this variant remains unclear.